The following is an entry in ClinVar:

ClinVar aggregate classification (germline): Benign/Likely benign. Review status: criteria provided, multiple submitters, no conflicts (2 of 4 stars). 4 submissions from 3 submitters: Benign (1); Likely benign (3). Last evaluated 2025-12-10.

Conditions:
Paget disease of bone 2, early-onset (PDB2). Also called: Paget disease of bone 2. Identifiers: MedGen C4085251, MONDO:0011183, OMIM 602080.
Autosomal recessive osteopetrosis 7. Identifiers: Orphanet 178389, MedGen C2676766, MONDO:0012859, OMIM 612301.

Allele frequency attached by ClinVar (database versions not stated): gnomAD 0.00011 and 0.00015; gnomAD exomes 0.00011 and 0.00035; TOPMed 0.00018; ExAC 0.00029; 1000 Genomes Project 30x 0.00047; 1000 Genomes Project 0.00060.
gnomAD v4.1: 182 of 1,603,826 alleles (0.011%); highest among the groups gnomAD compares: East Asian, 0.39%; 1 homozygote.

Submissions (4):

Labcorp Genetics (formerly Invitae), Labcorp
Classification: Benign. Last evaluated: 2025-12-10. Review status: criteria provided, single submitter. Criteria: Invitae Variant Classification Sherloc (09022015). Collection method: clinical testing. Allele origin: germline.

Blueprint Genetics
Classification: Likely benign. Last evaluated: 2023-07-25. Review status: criteria provided, single submitter. Criteria: ACMG Guidelines, 2015. Collection method: clinical testing. Allele origin: germline.

Illumina Laboratory Services, Illumina
Classification: Likely benign for Autosomal recessive osteopetrosis 7. Last evaluated: 2018-01-13. Review status: criteria provided, single submitter. Criteria: ICSL Variant Classification Criteria 13 December 2019. Collection method: clinical testing. Allele origin: germline.
Comment: This variant was observed in the ICSL laboratory as part of a predisposition screen in an ostensibly healthy population. It had not been previously curated by ICSL or reported in the Human Gene Mutation Database (HGMD: prior to June 1st, 2018), and was therefore a candidate for classification through an automated scoring system. Utilizing variant allele frequency, disease prevalence and penetrance estimates, and inheritance mode, an automated score was calculated to assess if this variant is too frequent to cause the disease. Based on the score and internal cut-off values, a variant classified as likely benign is not then subjected to further curation. The score for this variant resulted in a classification of likely benign for this disease.

Illumina Laboratory Services, Illumina
Classification: Likely benign for Paget disease of bone 2, early-onset. Last evaluated: 2018-01-13. Review status: criteria provided, single submitter. Criteria: ICSL Variant Classification Criteria 13 December 2019. Collection method: clinical testing. Allele origin: germline.
Comment: the same text as in the submission from Illumina Laboratory Services, Illumina above.

NM_003839.4(TNFRSF11A):c.1567+7G>A

Gene: TNFRSF11A (TNF receptor superfamily member 11a; plus strand). Cytogenetic location: 18q21.33.
Variant type: single nucleotide variant.
Coding change: c.1567+7G>A on transcript NM_003839.4 (MANE Select); 7 bases into the intron after coding-DNA position 1567, G replaced by A.
Molecular consequence: intron variant.
Genome position (GRCh38, 1-based): chr18:62,369,491, G>A. VCF-style: chr18-62369491-G-A. GRCh37 (hg19) VCF-style: chr18-60036724-G-A.
Other names: c.783+2731G>A (NM_001270949.2); c.730+7698G>A (NM_001270950.2); c.616+9442G>A (NM_001270951.2); c.1525+7G>A (NM_001278268.2).
Identifiers: ClinVar variation 889677 (VCV000889677.13), dbSNP rs35332936, ClinGen allele CA8983985.